The following is an entry in ClinVar:

NM_153209.4(KIF19):c.2526T>C (p.Ser842=)

Gene: KIF19 (kinesin family member 19; plus strand). Cytogenetic location: 17q25.1.
Variant type: single nucleotide variant.
Coding change: c.2526T>C on transcript NM_153209.4 (MANE Select); coding-DNA position 2526, T replaced by C.
Protein change: p.Ser842=; no amino-acid change (serine 842 retained).
Molecular consequence: synonymous variant.
Genome position (GRCh38, 1-based): chr17:74,354,379, T>C. VCF-style: chr17-74354379-T-C. GRCh37 (hg19) VCF-style: chr17-72350518-T-C.
Identifiers: ClinVar variation 4873840 (VCV004873840.2).

ClinVar aggregate classification (germline): Likely benign (1 of 4 stars; one submission).

Submission:

CeGaT Center for Human Genetics Tuebingen
Classification: Likely benign. Last evaluated: 2026-05-01. Review status: criteria provided, single submitter. Criteria: CeGaT Center For Human Genetics Tuebingen Variant Classification Criteria Version 2. Collection method: clinical testing. Allele origin: germline. Affected: yes. Observed: 1 variant allele.
Comment: KIF19: PM2:Supporting, BP4, BP7